The following is an entry in ClinVar:

NM_153717.3(EVC):c.*1375A>G

Gene: EVC (EvC ciliary complex subunit 1; plus strand). Cytogenetic location: 4p16.2.
Variant type: single nucleotide variant.
Coding change: c.*1375A>G on transcript NM_153717.3 (MANE Select); 1375 bases downstream of the stop codon, A replaced by G.
Molecular consequence: 3 prime UTR variant.
Genome position (GRCh38, 1-based): chr4:5,812,412, A>G. VCF-style: chr4-5812412-A-G. GRCh37 (hg19) VCF-style: chr4-5814139-A-G.
Other names: c.*1375A>G (NM_001306090.2).
Identifiers: ClinVar variation 349246 (VCV000349246.5), dbSNP rs114994758, ClinGen allele CA10618074.

ClinVar aggregate classification (germline): Benign (1 of 4 stars; one submission).

Conditions:
Ellis-van Creveld syndrome (EVC). Also called: EVC-Related Ellis-van Creveld Syndrome; EVC2-Related Ellis-van Creveld Syndrome; MESOECTODERMAL DYSPLASIA; Chondroectodermal dysplasia. Identifiers: Orphanet 289, MedGen C0013903, MONDO:0009162, OMIM 225500.

Allele frequency attached by ClinVar (database versions not stated): 1000 Genomes Project 30x 0.02561; gnomAD exomes 0.00054; gnomAD 0.02151 and 0.02309; TOPMed 0.02408; 1000 Genomes Project 0.02436.
gnomAD v4.1: 3,189 of 169,128 alleles (1.9%); highest among the groups gnomAD compares: African/African-American, 7.5%; 103 homozygotes.

Submission:

Illumina Laboratory Services, Illumina
Classification: Benign for Ellis-van Creveld syndrome. Last evaluated: 2018-01-13. Review status: criteria provided, single submitter. Criteria: ICSL Variant Classification Criteria 13 December 2019. Collection method: clinical testing. Allele origin: germline.
Comment: This variant was observed in the ICSL laboratory as part of a predisposition screen in an ostensibly healthy population. It had not been previously curated by ICSL or reported in the Human Gene Mutation Database (HGMD: prior to June 1st, 2018), and was therefore a candidate for classification through an automated scoring system. Utilizing variant allele frequency, disease prevalence and penetrance estimates, and inheritance mode, an automated score was calculated to assess if this variant is too frequent to cause the disease. Based on the score and internal cut-off values, a variant classified as benign is not then subjected to further curation. The score for this variant resulted in a classification of benign for this disease.